The following is an entry in ClinVar:

ClinVar aggregate classification (germline): Uncertain significance. Review status: criteria provided, multiple submitters, no conflicts (2 of 4 stars). 2 submissions from 2 submitters: Uncertain significance (2). Last evaluated 2024-10-21.

Allele frequency attached by ClinVar (database versions not stated): gnomAD 0.00001; gnomAD exomes 0.00001; ExAC 0.00004; 1000 Genomes Project 30x 0.00016; 1000 Genomes Project 0.00020.
gnomAD v4.1: 17 of 1,613,924 alleles (0.0011%); highest among the groups gnomAD compares: South Asian, 0.011%; no homozygotes.

Submissions (2):

GeneDx
Classification: Uncertain significance. Last evaluated: 2024-10-21. Review status: criteria provided, single submitter. Criteria: GeneDx Variant Classification Process June 2021. Collection method: clinical testing. Allele origin: germline. Affected: yes.
Comment: In silico analysis supports that this missense variant has a deleterious effect on protein structure/function; Has not been previously published as pathogenic or benign to our knowledge

Labcorp Genetics (formerly Invitae), Labcorp
Classification: Uncertain significance. Last evaluated: 2022-03-02. Review status: criteria provided, single submitter. Criteria: Invitae Variant Classification Sherloc (09022015). Collection method: clinical testing. Allele origin: germline.
Comment: This variant is present in population databases (rs563882342, gnomAD 0.006%). This sequence change replaces alanine, which is neutral and non-polar, with threonine, which is neutral and polar, at codon 1765 of the PLCE1 protein (p.Ala1765Thr). This variant has not been reported in the literature in individuals affected with PLCE1-related conditions. Algorithms developed to predict the effect of missense changes on protein structure and function are either unavailable or do not agree on the potential impact of this missense change (SIFT: "Deleterious"; PolyPhen-2: "Probably Damaging"; Align-GVGD: "Class C0"). In summary, the available evidence is currently insufficient to determine the role of this variant in disease. Therefore, it has been classified as a Variant of Uncertain Significance.

NM_016341.4(PLCE1):c.5293G>A (p.Ala1765Thr)

Gene: PLCE1 (phospholipase C epsilon 1; plus strand). Cytogenetic location: 10q23.33.
Variant type: single nucleotide variant.
Coding change: c.5293G>A on transcript NM_016341.4 (MANE Select); coding-DNA position 5293, G replaced by A.
Protein change: p.Ala1765Thr; replaces alanine 1765 with threonine.
Molecular consequence: missense variant.
Genome position (GRCh38, 1-based): chr10:94,298,504, G>A. VCF-style: chr10-94298504-G-A. GRCh37 (hg19) VCF-style: chr10-96058261-G-A.
Other names: c.4369G>A, p.Ala1457Thr (NM_001165979.2); c.5245G>A, p.Ala1749Thr (NM_001288989.2); c.5293G>A (NM_016341.3); short protein forms A1749T, A1457T, A1765T.
Identifiers: ClinVar variation 1966504 (VCV001966504.6), dbSNP rs563882342, ClinGen allele CA5613330.